The following is an entry in ClinVar:

ClinVar aggregate classification (germline): Pathogenic/Likely pathogenic. Review status: criteria provided, multiple submitters, no conflicts (2 of 4 stars). 4 submissions from 4 submitters: Pathogenic (1); Likely pathogenic (2). 1 of the submissions does not count toward it. Last evaluated 2025-05-15.

Conditions:
Hereditary cancer-predisposing syndrome. Also called: Tumor predisposition; Hereditary Cancer Syndrome; Neoplastic Syndromes, Hereditary; Hereditary neoplastic syndrome. Identifiers: Orphanet 140162, MedGen C0027672, MeSH D009386, MONDO:0015356.
Hereditary breast ovarian cancer syndrome. Also called: Hereditary breast and/or ovarian cancer syndrome; Hereditary breast and ovarian cancer; Hereditary breast and ovarian cancer syndrome (HBOC); Hereditary breast and ovarian cancer syndrome; Breast and ovarian cancer; BRCA1- and BRCA2-Associated Hereditary Breast and Ovarian Cancer. Identifiers: Orphanet 145, MedGen C0677776, MeSH D061325, MONDO:0003582. Disease mechanism: loss of function.
Fanconi anemia complementation group D1. Also called: BRCA2-Related Fanconi Anemia. Identifiers: Orphanet 319462, MedGen C1838457, MONDO:0011584, OMIM 605724.
Breast-ovarian cancer, familial, susceptibility to, 2 (BROVCA2). Also called: BRCA2 Hereditary Breast and Ovarian Cancer. Identifiers: Orphanet 145, MedGen C2675520, MONDO:0012933, OMIM 612555. Disease mechanism: loss of function.

Submissions (4):

Variantyx, Inc.
Classification: Pathogenic for Fanconi anemia complementation group D1. Last evaluated: 2025-05-15. Review status: criteria provided, single submitter. Criteria: Variantyx Assertion Criteria 2022. Collection method: clinical testing. Allele origin: de novo. Inheritance: Autosomal recessive inheritance. Affected: yes.
Comment: This is a nonsynonymous variant in the BRCA2 gene (OMIM: 600185). Pathogenic variants in this gene have been associated with autosomal recessive Fanconi anemia, complementation group D1. Functional studies have shown that this variant alters BRCA2 protein function (PMID: 33609447) (PS3), and multiple computational algorithms predict a deleterious effect for this variant (REVEL score: 0.84) (PP3). ), while it is absent from control populations (PM2). The clinical symptoms reported for this individual are highly specific for autosomal recessive Fanconi anemia, complementation group D1, which has a limited genetic etiology (PMID: 34584710, 20301575) (PP4). Based on the current evidence, this variant is classified as pathogenic for autosomal recessive Fanconi anemia, complementation group D1.

Labcorp Genetics (formerly Invitae), Labcorp
Classification: Likely pathogenic for Hereditary breast ovarian cancer syndrome. Last evaluated: 2022-11-10. Review status: criteria provided, single submitter. Criteria: Invitae Variant Classification Sherloc (09022015). Collection method: clinical testing. Allele origin: germline.
Comment: This variant disrupts the p.Gly2724 amino acid residue in BRCA2. Other variant(s) that disrupt this residue have been determined to be pathogenic (Invitae; external communication). This suggests that this residue is clinically significant, and that variants that disrupt this residue are likely to be disease-causing. This sequence change replaces glycine, which is neutral and non-polar, with valine, which is neutral and non-polar, at codon 2724 of the BRCA2 protein (p.Gly2724Val). This variant is not present in population databases (gnomAD no frequency). This missense change has been observed in individual(s) with hereditary breast and ovarian cancer (PMID: 27223485). ClinVar contains an entry for this variant (Variation ID: 52517). Advanced modeling performed at Invitae incorporating data from internal and/or published experimental studies (PMID: 33609447) indicates that this missense variant is expected to disrupt BRCA2 function. In summary, the currently available evidence indicates that the variant is pathogenic, but additional data are needed to prove that conclusively. Therefore, this variant has been classified as Likely Pathogenic.

Ambry Genetics
Classification: Likely pathogenic for Hereditary cancer-predisposing syndrome. Last evaluated: 2020-01-24. Review status: criteria provided, single submitter. Criteria: Ambry Variant Classification Scheme 2023. Collection method: clinical testing. Allele origin: germline.
Comment: The p.G2724V variant (also known as c.8171G>T), located in coding exon 17 of the BRCA2 gene, results from a G to T substitution at nucleotide position 8171. The glycine at codon 2724 is replaced by valine, an amino acid with dissimilar properties. This variant was identified in 6/50 Southern Brazilian families with histories suggestive of a hereditary breast cancer syndrome (Palmero EI et al. Genet. Mol. Biol., 2016 May;39:210-22). This variant was also predicted to be deleterious using a computational method for producing probabilistic likelihood ratios predictive of whether missense variants will impair protein function (Karchin R et al. Cancer Inform, 2008 Apr;6:203-16). This alteration was non-functional in a homology-directed DNA repair (HDR) assay (Ambry internal data). This amino acid position is highly conserved in available vertebrate species. This variant was not reported in population-based cohorts in the Genome Aggregation Database (gnomAD) (Lek M et al. Nature, 2016 08;536:285-91). In addition, this alteration is predicted to be deleterious by in silico analysis. Based on the majority of available evidence to date, this variant is likely to be pathogenic.

Breast Cancer Information Core (BIC) (BRCA2)
Classification: Uncertain significance for Breast-ovarian cancer, familial 2. Review status: no assertion criteria provided. Collection method: clinical testing. Allele origin: germline. Affected: yes. Observed: 1 variant allele. Not counted in ClinVar's aggregate classification.

Literature cited by the submitters: PubMed 33609447 (cited by Variantyx, Inc. and Labcorp Genetics (formerly Invitae), Labcorp); PubMed 34584710 (cited by Variantyx, Inc.); PubMed 20301575 (cited by Variantyx, Inc.); PubMed 27223485 (cited by Labcorp Genetics (formerly Invitae), Labcorp and Ambry Genetics); PubMed 19043619 (cited by Ambry Genetics).

NM_000059.4(BRCA2):c.8171G>T (p.Gly2724Val)

Gene: BRCA2 (BRCA2 DNA repair associated; plus strand). Cytogenetic location: 13q13.1.
Variant type: single nucleotide variant.
Coding change: c.8171G>T on transcript NM_000059.4 (MANE Select); coding-DNA position 8171, G replaced by T.
Protein change: p.Gly2724Val; replaces glycine 2724 with valine.
Molecular consequence: missense variant.
Genome position (GRCh38, 1-based): chr13:32,363,373, G>T. VCF-style: chr13-32363373-G-T. GRCh37 (hg19) VCF-style: chr13-32937510-G-T.
Other names: short protein forms G2724V.
Identifiers: ClinVar variation 52517 (VCV000052517.10), dbSNP rs80359063, ClinGen allele CA025486.